The following is an entry in ClinVar:

NM_004859.4(CLTC):c.2292+5G>A

Gene: CLTC (clathrin heavy chain; plus strand). Cytogenetic location: 17q23.1.
Variant type: single nucleotide variant.
Coding change: c.2292+5G>A on transcript NM_004859.4 (MANE Select); 5 bases into the intron after coding-DNA position 2292, G replaced by A.
Molecular consequence: intron variant.
Genome position (GRCh38, 1-based): chr17:59,668,945, G>A. VCF-style: chr17-59668945-G-A. GRCh37 (hg19) VCF-style: chr17-57746306-G-A.
Other names: c.2304+5G>A (NM_001288653.2).
Identifiers: ClinVar variation 1385931 (VCV001385931.6), dbSNP rs2143561508, ClinGen allele CA2573154429.

ClinVar aggregate classification (germline): Uncertain significance (1 of 4 stars; one submission).

Submission:

Labcorp Genetics (formerly Invitae), Labcorp
Classification: Uncertain significance. Last evaluated: 2022-08-09. Review status: criteria provided, single submitter. Criteria: Invitae Variant Classification Sherloc (09022015). Collection method: clinical testing. Allele origin: germline.
Comment: In summary, the available evidence is currently insufficient to determine the role of this variant in disease. Therefore, it has been classified as a Variant of Uncertain Significance. Variants that disrupt the consensus splice site are a relatively common cause of aberrant splicing (PMID: 17576681, 9536098). Algorithms developed to predict the effect of sequence changes on RNA splicing suggest that this variant is not likely to affect RNA splicing. ClinVar contains an entry for this variant (Variation ID: 1385931). This variant has not been reported in the literature in individuals affected with CLTC-related conditions. This variant is not present in population databases (gnomAD no frequency). This sequence change falls in intron 14 of the CLTC gene. It does not directly change the encoded amino acid sequence of the CLTC protein. It affects a nucleotide within the consensus splice site.

Literature cited by the submitters: PubMed 17576681; PubMed 9536098.